The following is an entry in ClinVar:

ClinVar aggregate classification (germline): Pathogenic. Review status: criteria provided, multiple submitters, no conflicts (2 of 4 stars). 7 submissions from 7 submitters: Pathogenic (6). 1 of the submissions does not count toward it. Last evaluated 2026-09-22.

Conditions:
SDCCAG8-related disorder. Also called: SDCCAG8-related condition; SDCCAG8-Related Disorders.
Bardet-Biedl syndrome 16 (BBS16). Identifiers: Orphanet 110, MedGen C3889474, MONDO:0014444, OMIM 615993.
Senior-Loken syndrome 7 (SLSN7). Identifiers: Orphanet 3156, MedGen C3150877, MONDO:0013326, OMIM 613615.
Bardet-Biedl syndrome (BBS). Identifiers: Orphanet 110, MedGen C0752166, MONDO:0015229.

Submissions (7):

PreventionGenetics, part of Exact Sciences
Classification: Pathogenic for SDCCAG8-related condition. Last evaluated: 2026-09-22. Review status: criteria provided, single submitter. Criteria: ACMG Guidelines, 2015. Collection method: clinical testing. Allele origin: germline.
Comment: The SDCCAG8 c.1420delG variant is predicted to result in a frameshift and premature protein termination (p.Glu474Serfs*20). This variant has been reported in the homozygous state or with a second SDCCAG8 variant in individuals with features of Senior-Loken syndrome or nephronophthisis-related ciliopathies (NPHP-RC) (Otto et al. 2010. PubMed ID: 20835237; Al Alawi et al. 2019. PubMed ID: 31844813; Table S1, Lin. 2024. PubMed ID: 38219857). A functional study shows this variant disrupts the OFD1 binding domain (Otto et al. 2010. PubMed ID: 20835237). This variant is reported in 0.020% of alleles in individuals of African descent in gnomAD. Frameshift variants in SDCCAG8 are expected to be pathogenic. This variant is interpreted as pathogenic.

Labcorp Genetics (formerly Invitae), Labcorp
Classification: Pathogenic for Bardet-Biedl syndrome 16; Senior-Loken syndrome 7. Last evaluated: 2025-01-26. Review status: criteria provided, single submitter. Criteria: Invitae Variant Classification Sherloc (09022015). Collection method: clinical testing. Allele origin: germline.
Comment: This sequence change creates a premature translational stop signal (p.Glu474Serfs*20) in the SDCCAG8 gene. It is expected to result in an absent or disrupted protein product. Loss-of-function variants in SDCCAG8 are known to be pathogenic (PMID: 20835237, 22190896). This variant is present in population databases (rs770467138, gnomAD 0.02%). This premature translational stop signal has been observed in individual(s) with Senior-Loken syndrome (PMID: 20835237). ClinVar contains an entry for this variant (Variation ID: 57). For these reasons, this variant has been classified as Pathogenic.

Fulgent Genetics
Classification: Pathogenic for Senior-Loken syndrome 7; Bardet-Biedl syndrome 16. Last evaluated: 2024-04-23. Review status: criteria provided, single submitter. Criteria: ACMG Guidelines, 2015. Collection method: clinical testing. Allele origin: germline.

Women's Health and Genetics/Laboratory Corporation of America, LabCorp
Classification: Pathogenic for Bardet-Biedl syndrome. Last evaluated: 2023-03-03. Review status: criteria provided, single submitter. Criteria: LabCorp Variant Classification Summary - May 2015. Collection method: clinical testing. Allele origin: germline.
Comment: Variant summary: SDCCAG8 c.1420delG (p.Glu474SerfsX20) results in a premature termination codon, predicted to cause a truncation of the encoded protein or absence of the protein due to nonsense mediated decay, which are commonly known mechanisms for disease. The variant allele was found at a frequency of 1.6e-05 in 251312 control chromosomes (gnomAD). c.1420delG has been reported in the literature in multiple individuals affected with nephronophthisis and retinal degeneration (Senior-Loken syndrome), including at least three homozygous individuals from two unrelated families (e.g. Otto_2010, Halbritter_2013, Al Alawi_2019). These data indicate that the variant is very likely to be associated with disease. Four submitters have provided clinical-significance assessments for this variant to ClinVar after 2014 and all classified the variant as pathogenic (n=3)/likely pathogenic (n=1). Based on the evidence outlined above, the variant was classified as pathogenic.

GeneDx
Classification: Pathogenic. Last evaluated: 2019-06-24. Review status: criteria provided, single submitter. Criteria: GeneDx Variant Classification Process June 2021. Collection method: clinical testing. Allele origin: germline. Affected: yes.
Comment: Frameshift variant predicted to result in protein truncation or nonsense mediated decay in a gene for which loss-of-function is a known mechanism of disease; This variant is associated with the following publications: (PMID: 22190896, 21866095, 20835237, 31844813)

Genomic Research Center, Shahid Beheshti University of Medical Sciences
Classification: Pathogenic for Bardet-Biedl syndrome. Last evaluated: 2017-12-03. Review status: criteria provided, single submitter. Criteria: ACMG Guidelines, 2015. Collection method: clinical testing. Allele origin: inherited. Affected: yes.

OMIM
Classification: Pathogenic for SENIOR-LOKEN SYNDROME 7. Last evaluated: 2010-10-01. Review status: no assertion criteria provided. Collection method: literature only. Allele origin: germline. Not counted in ClinVar's aggregate classification.

Literature cited by the submitters: PubMed 20835237 (cited by 3 submitters); PubMed 22190896 (cited by Labcorp Genetics (formerly Invitae), Labcorp); PubMed 23559409 (cited by Women's Health and Genetics/Laboratory Corporation of America, LabCorp); PubMed 31844813 (cited by Women's Health and Genetics/Laboratory Corporation of America, LabCorp).

NM_006642.5(SDCCAG8):c.1420del (p.Glu474fs)

Gene: SDCCAG8 (SHH signaling and ciliogenesis regulator SDCCAG8; plus strand). Cytogenetic location: 1q43.
Variant type: Deletion.
Coding change: c.1420del on transcript NM_006642.5 (MANE Select); coding-DNA position 1420, one base deleted (G; older notation c.1420delG).
Protein change: p.Glu474fs; shifts the reading frame from glutamic acid 474.
Molecular consequence: frameshift variant.
Genome position (GRCh38, 1-based): chr1:243,344,278, G deleted; the last of 2 consecutive G bases (chr1:243,344,277-243,344,278); deleting either gives the same sequence. VCF-style (leftmost placement, unchanged base first): chr1-243344276-AG-A. GRCh37 (hg19) VCF-style: chr1-243507578-AG-A.
Other names: c.1420del (NM_006642.3); c.517del, p.Glu173fs (NM_001350246.2, NM_001350247.2, NM_001350251.2); c.1516del, p.Glu506fs (NM_001350248.2); c.1126del, p.Glu376fs (NM_001350249.2); short protein forms E506fs, E173fs, E376fs, E474fs.
Identifiers: ClinVar variation 57 (VCV000000057.17), dbSNP rs397515335, ClinGen allele CA113826.